The following is an entry in ClinVar:

ClinVar aggregate classification (germline): Pathogenic. Review status: criteria provided, multiple submitters, no conflicts (2 of 4 stars). 3 submissions from 3 submitters: Pathogenic (3). Last evaluated 2025-02-06.

Conditions:
Polycystic kidney disease 2 (PKD2). Also called: POLYCYSTIC KIDNEY DISEASE 2 WITH OR WITHOUT POLYCYSTIC LIVER DISEASE; Polycystic Kidney Disease 2, Autosomal Dominant; POLYCYSTIC KIDNEY DISEASE, ADULT, TYPE II. Identifiers: MedGen C2751306, MONDO:0013131, OMIM 613095.

Submissions (3):

GeneDx
Classification: Pathogenic. Last evaluated: 2025-02-06. Review status: criteria provided, single submitter. Criteria: GeneDx Variant Classification Process June 2021. Collection method: clinical testing. Allele origin: germline. Affected: yes.
Comment: Nonsense variant predicted to result in protein truncation or nonsense mediated decay in a gene for which loss of function is a known mechanism of disease; Not observed at significant frequency in large population cohorts (gnomAD); This variant is associated with the following publications: (PMID: 26150605)

MVZ Martinsried, Medicover Genetics
Classification: Pathogenic for Polycystic kidney disease 2. Last evaluated: 2024-12-17. Review status: criteria provided, single submitter. Criteria: ACGS Guidelines, 2020. Collection method: clinical testing. Allele origin: unknown. Affected: yes.

Fulgent Genetics
Classification: Pathogenic for Polycystic kidney disease 2. Last evaluated: 2024-04-24. Review status: criteria provided, single submitter. Criteria: ACMG Guidelines, 2015. Collection method: clinical testing. Allele origin: germline.

NM_000297.4(PKD2):c.619G>T (p.Glu207Ter)

Gene: PKD2 (polycystin 2, transient receptor potential cation channel; plus strand). Cytogenetic location: 4q22.1.
Variant type: single nucleotide variant.
Coding change: c.619G>T on transcript NM_000297.4 (MANE Select); coding-DNA position 619, G replaced by T.
Protein change: p.Glu207Ter; replaces glutamic acid 207 with a stop codon.
Molecular consequence: nonsense. On other transcripts: non-coding transcript variant (1).
Genome position (GRCh38, 1-based): chr4:88,019,481, G>T. VCF-style: chr4-88019481-G-T. GRCh37 (hg19) VCF-style: chr4-88940633-G-T.
Other names: c.619G>T (NM_000297.3); short protein forms E207*.
Identifiers: ClinVar variation 3572988 (VCV003572988.3).
Genomic context (GRCh38, chr4:88,019,481, plus strand): 5'-AATGATATCTTTTCTTTTCTTCATTATTATTTTAAAGGTCTCTGGGGAACAAGACTCATG[G>T]AGGAAAGCAGCACTAACCGAGAGAAATACCTTAAAAGTGTTTTACGGGAACTGGTCACAT-3'